The following is an entry in ClinVar:

ClinVar aggregate classification (germline): Uncertain significance. Review status: criteria provided, multiple submitters, no conflicts (2 of 4 stars). 3 submissions from 3 submitters: Uncertain significance (3). Last evaluated 2023-12-05.

Conditions:
Hereditary cancer-predisposing syndrome. Also called: Neoplastic Syndromes, Hereditary; Tumor predisposition; Hereditary neoplastic syndrome; Hereditary Cancer Syndrome. Identifiers: Orphanet 140162, MedGen C0027672, MeSH D009386, MONDO:0015356.
Hereditary breast ovarian cancer syndrome. Also called: Hereditary breast and ovarian cancer syndrome; Hereditary breast and ovarian cancer; Hereditary breast and ovarian cancer syndrome (HBOC); Breast and ovarian cancer; Hereditary breast and/or ovarian cancer syndrome; BRCA1- and BRCA2-Associated Hereditary Breast and Ovarian Cancer. Identifiers: Orphanet 145, MedGen C0677776, MeSH D061325, MONDO:0003582. Disease mechanism: loss of function.

Submissions (3):

Color Diagnostics, LLC DBA Color Health
Classification: Uncertain significance for Hereditary cancer-predisposing syndrome. Last evaluated: 2023-12-05. Review status: criteria provided, single submitter. Criteria: ACMG Guidelines, 2015. Collection method: clinical testing. Allele origin: germline.
Comment: This missense variant replaces phenylalanine with valine at codon 11 of the BRCA2 protein. Computational prediction suggests that this variant may not impact protein structure and function (internally defined REVEL score threshold <= 0.5, PMID: 27666373). To our knowledge, functional studies have not been reported for this variant. This variant has not been reported in individuals affected with BRCA2-related disorders in the literature. This variant has not been identified in the general population by the Genome Aggregation Database (gnomAD). The available evidence is insufficient to determine the role of this variant in disease conclusively. Therefore, this variant is classified as a Variant of Uncertain Significance.

Ambry Genetics
Classification: Uncertain significance for Hereditary cancer-predisposing syndrome. Last evaluated: 2022-01-19. Review status: criteria provided, single submitter. Criteria: Ambry Variant Classification Scheme 2023. Collection method: clinical testing. Allele origin: germline.
Comment: The p.F11V variant (also known as c.31T>G), located in coding exon 1 of the BRCA2 gene, results from a T to G substitution at nucleotide position 31. The phenylalanine at codon 11 is replaced by valine, an amino acid with highly similar properties. This amino acid position is well conserved in available vertebrate species. In addition, this alteration is predicted to be tolerated by in silico analysis. Since supporting evidence is limited at this time, the clinical significance of this alteration remains unclear.

Labcorp Genetics (formerly Invitae), Labcorp
Classification: Uncertain significance for Hereditary breast ovarian cancer syndrome. Last evaluated: 2020-12-04. Review status: criteria provided, single submitter. Criteria: Invitae Variant Classification Sherloc (09022015). Collection method: clinical testing. Allele origin: germline.
Comment: This variant is not present in population databases (ExAC no frequency). In summary, the available evidence is currently insufficient to determine the role of this variant in disease. Therefore, it has been classified as a Variant of Uncertain Significance. Advanced modeling of protein sequence and biophysical properties (such as structural, functional, and spatial information, amino acid conservation, physicochemical variation, residue mobility, and thermodynamic stability) performed at Invitae indicates that this missense variant is not expected to disrupt BRCA2 protein function. This variant has not been reported in the literature in individuals with BRCA2-related conditions. ClinVar contains an entry for this variant (Variation ID: 628204). This sequence change replaces phenylalanine with valine at codon 11 of the BRCA2 protein (p.Phe11Val). The phenylalanine residue is moderately conserved and there is a small physicochemical difference between phenylalanine and valine.

NM_000059.4(BRCA2):c.31T>G (p.Phe11Val)

Gene: BRCA2 (BRCA2 DNA repair associated; plus strand). Cytogenetic location: 13q13.1.
Variant type: single nucleotide variant.
Coding change: c.31T>G on transcript NM_000059.4 (MANE Select); coding-DNA position 31, T replaced by G.
Protein change: p.Phe11Val; replaces phenylalanine 11 with valine.
Molecular consequence: missense variant.
Genome position (GRCh38, 1-based): chr13:32,316,491, T>G. VCF-style: chr13-32316491-T-G. GRCh37 (hg19) VCF-style: chr13-32890628-T-G.
Other names: short protein forms F11V.
Identifiers: ClinVar variation 628204 (VCV000628204.15), dbSNP rs1566214589, ClinGen allele CA387752991.